The following is an entry in ClinVar:

ClinVar aggregate classification (germline): Uncertain significance (1 of 4 stars; one submission).

Submission:

Labcorp Genetics (formerly Invitae), Labcorp
Classification: Uncertain significance. Last evaluated: 2022-07-15. Review status: criteria provided, single submitter. Criteria: Invitae Variant Classification Sherloc (09022015). Collection method: clinical testing. Allele origin: germline.
Comment: In summary, the available evidence is currently insufficient to determine the role of this variant in disease. Therefore, it has been classified as a Variant of Uncertain Significance. Algorithms developed to predict the effect of missense changes on protein structure and function (SIFT, PolyPhen-2, Align-GVGD) all suggest that this variant is likely to be disruptive. This variant has not been reported in the literature in individuals affected with EYS-related conditions. This variant is not present in population databases (gnomAD no frequency). This sequence change replaces glycine, which is neutral and non-polar, with aspartic acid, which is acidic and polar, at codon 884 of the EYS protein (p.Gly884Asp).

NM_001142800.2(EYS):c.2651G>A (p.Gly884Asp)

Gene: EYS (eyes shut homolog; minus strand). Cytogenetic location: 6q12.
Variant type: single nucleotide variant.
Coding change: c.2651G>A on transcript NM_001142800.2 (MANE Select); coding-DNA position 2651, G replaced by A.
Protein change: p.Gly884Asp; replaces glycine 884 with aspartic acid.
Molecular consequence: missense variant.
Genome position (GRCh38, 1-based): chr6:64,902,491, C>T on the plus strand (G>A on the coding strand, the complement: EYS is on the minus strand). VCF-style: chr6-64902491-C-T. GRCh37 (hg19) VCF-style: chr6-65612384-C-T.
Other names: c.2651G>A, p.Gly884Asp (NM_001292009.2); short protein forms G884D.
Identifiers: ClinVar variation 1952583 (VCV001952583.3), dbSNP rs2533360230, ClinGen allele CA364786022.